The following is an entry in ClinVar:

NM_014324.6(AMACR):c.849G>A (p.Trp283Ter)

Genes: AMACR (alpha-methylacyl-CoA racemase; minus strand), C1QTNF3-AMACR (C1QTNF3-AMACR readthrough (NMD candidate); minus strand). Cytogenetic location: 5p13.2.
Variant type: single nucleotide variant.
Coding change: c.849G>A on transcript NM_014324.6 (MANE Select); coding-DNA position 849, G replaced by A.
Protein change: p.Trp283Ter; replaces tryptophan 283 with a stop codon.
Molecular consequence: nonsense. On other transcripts: non-coding transcript variant (1), 3 prime UTR variant (1).
Genome position (GRCh38, 1-based): chr5:33,989,393, C>T on the plus strand (G>A on the coding strand, the complement: AMACR is on the minus strand). VCF-style: chr5-33989393-C-T. GRCh37 (hg19) VCF-style: chr5-33989498-C-T.
Other names: c.849G>A, p.Trp283Ter (NM_001167595.2); c.*91G>A (NM_203382.3); short protein forms W283*.
Identifiers: ClinVar variation 1438515 (VCV001438515.6), dbSNP rs2112032937, ClinGen allele CA359399178.

ClinVar aggregate classification (germline): Uncertain significance (1 of 4 stars; one submission).

Conditions:
Alpha-methylacyl-CoA racemase deficiency (AMACRD). Also called: AMACR deficiency. Identifiers: Orphanet 79095, MedGen C3280428, MONDO:0013681, OMIM 614307. Disease mechanism: loss of function.

gnomAD v4.1: 1 of 1,614,206 alleles (0.000062%); highest among the groups gnomAD compares: African/African-American, 0.0013%; no homozygotes.

Submission:

Labcorp Genetics (formerly Invitae), Labcorp
Classification: Uncertain significance for Alpha-methylacyl-CoA racemase deficiency. Last evaluated: 2021-01-30. Review status: criteria provided, single submitter. Criteria: Invitae Variant Classification Sherloc (09022015). Collection method: clinical testing. Allele origin: germline.
Comment: In summary, the available evidence is currently insufficient to determine the role of this variant in disease. Therefore, it has been classified as a Variant of Uncertain Significance. This variant has not been reported in the literature in individuals with AMACR-related conditions. This sequence change creates a premature translational stop signal (p.Trp283*) in the AMACR gene. While this is not anticipated to result in nonsense mediated decay, it is expected to disrupt the last 100 amino acid(s) of the AMACR protein. This variant is not present in population databases (ExAC no frequency). Experimental studies and prediction algorithms are not available or were not evaluated, and the functional significance of this variant is currently unknown.